The following is an entry in ClinVar:

ClinVar aggregate classification (germline): Uncertain significance (1 of 4 stars; one submission).

Conditions:
POLD1-related polyposis and colorectal cancer syndrome (CRCS10). Also called: Colorectal cancer 10; COLORECTAL CANCER, SUSCEPTIBILITY TO, ON CHROMOSOME 19q; Colorectal cancer, susceptibility to, 10. Identifiers: Orphanet 220460, MedGen C2675481, MONDO:0012953, OMIM 612591.

Submission:

Labcorp Genetics (formerly Invitae), Labcorp
Classification: Uncertain significance for POLD1-related polyposis and colorectal cancer syndrome. Last evaluated: 2020-08-14. Review status: criteria provided, single submitter. Criteria: Invitae Variant Classification Sherloc (09022015). Collection method: clinical testing. Allele origin: germline.
Comment: In summary, the available evidence is currently insufficient to determine the role of this variant in disease. Therefore, it has been classified as a Variant of Uncertain Significance. Algorithms developed to predict the effect of missense changes on protein structure and function do not agree on the potential impact of this missense change (SIFT: "Deleterious"; PolyPhen-2: "Probably Damaging"; Align-GVGD: "Class C0"). This variant has not been reported in the literature in individuals with POLD1-related disease. This variant is not present in population databases (ExAC no frequency). This sequence change replaces tryptophan with cysteine at codon 344 of the POLD1 protein (p.Trp344Cys). The tryptophan residue is weakly conserved and there is a large physicochemical difference between tryptophan and cysteine.

NM_002691.4(POLD1):c.1032G>T (p.Trp344Cys)

Gene: POLD1 (DNA polymerase delta 1, catalytic subunit; plus strand). Cytogenetic location: 19q13.33.
Variant type: single nucleotide variant.
Coding change: c.1032G>T on transcript NM_002691.4 (MANE Select); coding-DNA position 1032, G replaced by T.
Protein change: p.Trp344Cys; replaces tryptophan 344 with cysteine.
Molecular consequence: missense variant. On other transcripts: non-coding transcript variant (1).
Genome position (GRCh38, 1-based): chr19:50,403,114, G>T. VCF-style: chr19-50403114-G-T. GRCh37 (hg19) VCF-style: chr19-50906371-G-T.
Other names: c.1032G>T, p.Trp344Cys (NM_001256849.1, NM_001308632.1); short protein forms W344C.
Identifiers: ClinVar variation 577578 (VCV000577578.8), dbSNP rs538046428, ClinGen allele CA406978059.